The following is an entry in ClinVar:

ClinVar aggregate classification (germline): Uncertain significance. Review status: criteria provided, multiple submitters, no conflicts (2 of 4 stars). 2 submissions from 2 submitters: Uncertain significance (2). Last evaluated 2025-12-09.

Conditions:
Generalized epilepsy-paroxysmal dyskinesia syndrome (PNKD3). Also called: Generalized epilepsy and paroxysmal dyskinesia; Paroxysmal nonkinesigenic dyskinesia, 3, with or without generalized epilepsy. Identifiers: Orphanet 79137, MedGen C5574945, MONDO:0012276, OMIM 609446.

Allele frequency attached by ClinVar (database versions not stated): gnomAD exomes 0.00001; gnomAD 0.00002; TOPMed 0.00002.
gnomAD v4.1: 13 of 1,612,472 alleles (0.00081%); highest among the groups gnomAD compares: Non-Finnish European, 0.0011%; no homozygotes.

Submissions (2):

Labcorp Genetics (formerly Invitae), Labcorp
Classification: Uncertain significance for Generalized epilepsy-paroxysmal dyskinesia syndrome. Last evaluated: 2025-12-09. Review status: criteria provided, single submitter. Criteria: Invitae Variant Classification Sherloc (09022015). Collection method: clinical testing. Allele origin: germline.
Comment: This sequence change replaces lysine, which is basic and polar, with asparagine, which is neutral and polar, at codon 518 of the KCNMA1 protein (p.Lys518Asn). The frequency data for this variant in the population databases is considered unreliable, as metrics indicate poor data quality at this position in the gnomAD database. This missense change has been observed in individual(s) with epileptic encephalopathy (PMID: 29330545). ClinVar contains an entry for this variant (Variation ID: 806527). Invitae Evidence Modeling of protein sequence and biophysical properties (such as structural, functional, and spatial information, amino acid conservation, physicochemical variation, residue mobility, and thermodynamic stability) indicates that this missense variant is not expected to disrupt KCNMA1 protein function with a negative predictive value of 80%. Experimental studies are conflicting or provide insufficient evidence to determine the effect of this variant on KCNMA1 function (PMID: 29330545). In summary, the available evidence is currently insufficient to determine the role of this variant in disease. Therefore, it has been classified as a Variant of Uncertain Significance.

CeGaT Center for Human Genetics Tuebingen
Classification: Uncertain significance. Last evaluated: 2016-06-01. Review status: criteria provided, single submitter. Criteria: CeGaT Center For Human Genetics Tuebingen Variant Classification Criteria Version 2. Collection method: clinical testing. Allele origin: germline. Affected: yes. Observed: 1 variant allele.

Literature cited by the submitters: PubMed 29330545 (cited by Labcorp Genetics (formerly Invitae), Labcorp).

NM_001161352.2(KCNMA1):c.1554G>T (p.Lys518Asn)

Gene: KCNMA1 (potassium calcium-activated channel subfamily M alpha 1; minus strand). Cytogenetic location: 10q22.3.
Variant type: single nucleotide variant.
Coding change: c.1554G>T on transcript NM_001161352.2 (MANE Select); coding-DNA position 1554, G replaced by T.
Protein change: p.Lys518Asn; replaces lysine 518 with asparagine.
Molecular consequence: missense variant.
Genome position (GRCh38, 1-based): chr10:77,079,520, C>A on the plus strand (G>T on the coding strand, the complement: KCNMA1 is on the minus strand). VCF-style: chr10-77079520-C-A. GRCh37 (hg19) VCF-style: chr10-78839278-C-A.
Other names: c.1554G>T, p.Lys518Asn (NM_001014797.3, NM_001161353.2, NM_001271519.2 and 7 more transcripts); c.1392G>T, p.Lys464Asn (NM_001271518.2); c.1014G>T, p.Lys338Asn (NM_001322838.2); short protein forms K338N, K518N, K464N.
Identifiers: ClinVar variation 806527 (VCV000806527.54), dbSNP rs201996416, ClinGen allele CA210097579.